The following is an entry in ClinVar:

NM_000350.3(ABCA4):c.1032_1043del (p.Tyr345_Phe348del)

Gene: ABCA4 (ATP binding cassette subfamily A member 4; minus strand). Cytogenetic location: 1p22.1.
Variant type: Deletion.
Coding change: c.1032_1043del on transcript NM_000350.3 (MANE Select); coding-DNA positions 1032 to 1043, 12 bases deleted (CTATAAGGCCTT).
Protein change: p.Tyr345_Phe348del.
Molecular consequence: inframe deletion. On other transcripts: inframe indel (1).
Genome position (GRCh38, 1-based): chr1:94,080,534-94,080,545, AAGGCCTTATAG deleted on the plus strand (CTATAAGGCCTT on the coding strand, the reverse complement: ABCA4 is on the minus strand). VCF-style (leftmost placement, unchanged base first): chr1-94080533-AAAGGCCTTATAG-A. GRCh37 (hg19) VCF-style: chr1-94546089-AAAGGCCTTATAG-A.
Other names: c.1032_1043delCTATAAGGCCTT, p.Tyr345_Phe348del (NM_001425324.1).
Identifiers: ClinVar variation 2826018 (VCV002826018.3), dbSNP rs2523902375, ClinGen allele CA2739272680.

ClinVar aggregate classification (germline): Pathogenic (1 of 4 stars; one submission).

Submission:

Labcorp Genetics (formerly Invitae), Labcorp
Classification: Pathogenic. Last evaluated: 2023-01-02. Review status: criteria provided, single submitter. Criteria: Invitae Variant Classification Sherloc (09022015). Collection method: clinical testing. Allele origin: germline.
Comment: This variant has not been reported in the literature in individuals affected with ABCA4-related conditions. For these reasons, this variant has been classified as Pathogenic. This variant disrupts a region of the ABCA4 protein in which other variant(s) (p.Tyr345Cys) have been determined to be pathogenic (PMID: 28446513, 29925512, 33301772). This suggests that this is a clinically significant region of the protein, and that variants that disrupt it are likely to be disease-causing. This variant is not present in population databases (gnomAD no frequency). This variant, c.1032_1043del, results in the deletion of 4 amino acid(s) of the ABCA4 protein (p.Tyr345_Phe348del), but otherwise preserves the integrity of the reading frame.

Literature cited by the submitters: PubMed 28446513; PubMed 29925512; PubMed 33301772.